The following is an entry in ClinVar:

ClinVar aggregate classification (germline): Uncertain significance. Review status: criteria provided, multiple submitters, no conflicts (2 of 4 stars). 7 submissions from 7 submitters: Uncertain significance (6). 1 of the submissions does not count toward it. Last evaluated 2026-08-24.

Conditions:
SLC17A8-related disorder. Also called: SLC17A8-related condition.
Autosomal dominant nonsyndromic hearing loss 25. Identifiers: Orphanet 90635, MedGen C1854158, MONDO:0011568, OMIM 605583.

Allele frequency attached by ClinVar (database versions not stated): ExAC 0.00016; gnomAD exomes 0.00024 and 0.00050; TOPMed 0.00025; gnomAD 0.00027; ESP Exome Variant Server 0.00046.
gnomAD v4.1: 760 of 1,613,926 alleles (0.047%); highest among the groups gnomAD compares: Non-Finnish European, 0.062%; no homozygotes.

Submissions (7):

PreventionGenetics, part of Exact Sciences
Classification: Uncertain significance for SLC17A8-related condition. Last evaluated: 2026-08-24. Review status: criteria provided, single submitter. Criteria: ACMG Guidelines, 2015. Collection method: clinical testing. Allele origin: germline.
Comment: The SLC17A8 c.1645G>A variant is predicted to result in the amino acid substitution p.Gly549Arg. This variant was reported in an individual with Hearing loss, age-related (Table S3, S4, Boucher et al. 2020. PubMed ID: 33229591). This variant is reported in 0.047% of alleles in individuals of European (Non-Finnish) descent in gnomAD. In gnomAD v4 (available only on GRCh38), this variant is reported in 760 alleles globally, which is too common for a highly penetrant pathogenic variant. Although we suspect that this variant may be benign, at this time, the clinical significance of this variant is uncertain due to the absence of conclusive functional and genetic evidence.

Labcorp Genetics (formerly Invitae), Labcorp
Classification: Uncertain significance. Last evaluated: 2025-11-17. Review status: criteria provided, single submitter. Criteria: Invitae Variant Classification Sherloc (09022015). Collection method: clinical testing. Allele origin: germline.
Comment: This sequence change replaces glycine, which is neutral and non-polar, with arginine, which is basic and polar, at codon 549 of the SLC17A8 protein (p.Gly549Arg). This variant is present in population databases (rs201679317, gnomAD 0.05%), and has an allele count higher than expected for a pathogenic variant. This missense change has been observed in individual(s) with SLC17A8- related conditions (PMID: 33229591). ClinVar contains an entry for this variant (Variation ID: 883979). An algorithm developed to predict the effect of missense changes on protein structure and function (PolyPhen-2) suggests that this variant is likely to be disruptive. In summary, the available evidence is currently insufficient to determine the role of this variant in disease. Therefore, it has been classified as a Variant of Uncertain Significance.

GeneDx
Classification: Uncertain significance. Last evaluated: 2025-09-23. Review status: criteria provided, single submitter. Criteria: GeneDx Variant Classification Process June 2021. Collection method: clinical testing. Allele origin: germline.
Comment: In silico analysis supports that this missense variant has a deleterious effect on protein structure/function; This variant is associated with the following publications: (PMID: 33229591, 36672845)

CeGaT Center for Human Genetics Tuebingen
Classification: Uncertain significance. Last evaluated: 2023-12-01. Review status: criteria provided, single submitter. Criteria: CeGaT Center For Human Genetics Tuebingen Variant Classification Criteria Version 2. Collection method: clinical testing. Allele origin: germline. Affected: yes. Observed: 1 variant allele.

Department of Pathology and Laboratory Medicine, Sinai Health System
Classification: Uncertain significance for Autosomal dominant nonsyndromic hearing loss 25. Last evaluated: 2021-10-21. Review status: criteria provided, single submitter. Criteria: ACMG Guidelines, 2015. Collection method: research. Allele origin: germline.

Illumina Laboratory Services, Illumina
Classification: Uncertain significance for Autosomal dominant nonsyndromic hearing loss 25. Last evaluated: 2018-01-13. Review status: criteria provided, single submitter. Criteria: ICSL Variant Classification Criteria 13 December 2019. Collection method: clinical testing. Allele origin: germline.

Clinical Genetics DNA and cytogenetics Diagnostics Lab, Erasmus MC, Erasmus Medical Center
Classification: Uncertain significance. Review status: no assertion criteria provided. Collection method: clinical testing. Allele origin: germline. Affected: yes. Study: VKGL Data-share Consensus. Not counted in ClinVar's aggregate classification.

Literature cited by the submitters: PubMed 33229591 (cited by Labcorp Genetics (formerly Invitae), Labcorp).

NM_139319.3(SLC17A8):c.1645G>A (p.Gly549Arg)

Gene: SLC17A8 (solute carrier family 17 member 8; plus strand). Cytogenetic location: 12q23.1.
Variant type: single nucleotide variant.
Coding change: c.1645G>A on transcript NM_139319.3 (MANE Select); coding-DNA position 1645, G replaced by A.
Protein change: p.Gly549Arg; replaces glycine 549 with arginine.
Molecular consequence: missense variant.
Genome position (GRCh38, 1-based): chr12:100,420,034, G>A. VCF-style: chr12-100420034-G-A. GRCh37 (hg19) VCF-style: chr12-100813812-G-A.
Other names: c.1495G>A, p.Gly499Arg (NM_001145288.2); short protein forms G549R, G499R.
Identifiers: ClinVar variation 883979 (VCV000883979.37), dbSNP rs201679317, ClinGen allele CA6739076.